The following is an entry in ClinVar:

ClinVar aggregate classification (germline): Likely pathogenic (1 of 4 stars; one submission).

Submission:

GeneDx
Classification: Likely pathogenic. Last evaluated: 2025-08-21. Review status: criteria provided, single submitter. Criteria: GeneDx Variant Classification Process June 2021. Collection method: clinical testing. Allele origin: germline. Affected: yes.
Comment: Canonical splice site variant predicted to result in a null allele in a gene for which loss of function is a known mechanism of disease; Not observed at significant frequency in large population cohorts (gnomAD); Has not been previously published as pathogenic or benign to our knowledge

NM_001195518.2(MICU1):c.652+2T>G

Gene: MICU1 (mitochondrial calcium uptake 1; minus strand). Cytogenetic location: 10q22.1.
Variant type: single nucleotide variant.
Coding change: c.652+2T>G on transcript NM_001195518.2 (MANE Select); the canonical splice donor site of the intron after coding-DNA position 652, T replaced by G.
Molecular consequence: splice donor variant. On other transcripts: intron variant (1).
Genome position (GRCh38, 1-based): chr10:72,508,153, A>C on the plus strand (T>G on the coding strand, the complement: MICU1 is on the minus strand). VCF-style: chr10-72508153-A-C. GRCh37 (hg19) VCF-style: chr10-74267911-A-C.
Other names: c.658+2T>G (NM_006077.4); c.670+2T>G (NM_001363513.2); c.58+15649T>G (NM_001195519.2).
Identifiers: ClinVar variation 504324 (VCV000504324.3), dbSNP rs1554882874, ClinGen allele CA377393765.